The following is an entry in ClinVar:

ClinVar aggregate classification (germline): Uncertain significance (1 of 4 stars; one submission).

Conditions:
Inborn genetic diseases. Identifiers: MedGen C0950123, MeSH D030342.

Submission:

Ambry Genetics
Classification: Uncertain significance for Inborn genetic diseases. Last evaluated: 2025-11-09. Review status: criteria provided, single submitter. Criteria: Ambry Variant Classification Scheme 2023. Collection method: clinical testing. Allele origin: germline.
Comment: The p.S200I variant (also known as c.599G>T), located in coding exon 6 of the RTEL1 gene, results from a G to T substitution at nucleotide position 599. The serine at codon 200 is replaced by isoleucine, an amino acid with dissimilar properties. This amino acid position is conserved. In addition, this alteration is predicted to be tolerated by in silico analysis. Based on the available evidence, the clinical significance of this variant remains unclear.

NM_001283009.2(RTEL1):c.599G>T (p.Ser200Ile)

Genes: RTEL1 (regulator of telomere elongation helicase 1; plus strand), RTEL1-TNFRSF6B (RTEL1-TNFRSF6B readthrough (NMD candidate); plus strand). Cytogenetic location: 20q13.33.
Variant type: single nucleotide variant.
Coding change: c.599G>T on transcript NM_001283009.2 (MANE Select); coding-DNA position 599, G replaced by T.
Protein change: p.Ser200Ile; replaces serine 200 with isoleucine.
Molecular consequence: missense variant. On other transcripts: non-coding transcript variant (1), 5 prime UTR variant (1).
Genome position (GRCh38, 1-based): chr20:63,666,064, G>T. VCF-style: chr20-63666064-G-T. GRCh37 (hg19) VCF-style: chr20-62297417-G-T.
Other names: c.-71G>T (NM_001283010.1); c.599G>T, p.Ser200Ile (NM_016434.4); c.671G>T, p.Ser224Ile (NM_032957.5); short protein forms S200I, S224I.
Identifiers: ClinVar variation 4629596 (VCV004629596.1).
Genomic context (GRCh38, chr20:63,666,064, plus strand): 5'-AAAAAAGCCTGGAGCAGGAGCTGGCCAGCCCCATCCTGGACATTGAGGACTTGGTCAAGA[G>T]CGGAAGCAAGCACAGGTGAGACCCCTCAGTGAGGCCACGACCACTGTCCTTCCATGGCCC-3'
Protein context (NP_001269938.1, residues 190-210): PILDIEDLVK[Ser200Ile]GSKHRVCPYY